The following is an entry in ClinVar:

ClinVar aggregate classification (germline): Pathogenic. Review status: criteria provided, multiple submitters, no conflicts (2 of 4 stars). 3 submissions from 3 submitters: Pathogenic (3). Last evaluated 2023-09-08.

Conditions:
PKD1-related disorder. Also called: PKD1-related condition.

Submissions (3):

GeneDx
Classification: Pathogenic. Last evaluated: 2023-09-08. Review status: criteria provided, single submitter. Criteria: GeneDx Variant Classification Process June 2021. Collection method: clinical testing. Allele origin: germline. Affected: yes.
Comment: Frameshift variant predicted to result in protein truncation or nonsense mediated decay in a gene for which loss of function is a known mechanism of disease; Not observed at significant frequency in large population cohorts (gnomAD); This variant is associated with the following publications: (PMID: 30989420)

Athena Diagnostics
Classification: Pathogenic. Last evaluated: 2020-02-07. Review status: criteria provided, single submitter. Criteria: Athena Diagnostics Criteria. Collection method: clinical testing. Allele origin: unknown.
Comment: The variant creates a premature nonsense codon, and is therefore predicted to result in the loss of a functional protein. Found in at least one patient with expected phenotype for this gene, and not found in general population data.

Blueprint Genetics
Classification: Pathogenic for PKD1-related disorders. Last evaluated: 2019-12-30. Review status: criteria provided, single submitter. Criteria: ACMG Guidelines, 2015. Collection method: clinical testing. Allele origin: germline. Affected: yes. Observed: 2 variant alleles.

NM_001009944.3(PKD1):c.11344del (p.Asp3782fs)

Genes: PKD1-AS1 (PKD1 antisense RNA 1; plus strand), PKD1 (polycystin 1, transient receptor potential channel interacting; minus strand). Cytogenetic location: 16p13.3.
Variant type: Deletion.
Coding change: c.11344del on transcript NM_001009944.3 (MANE Select); coding-DNA position 11344, one base deleted (G; older notation c.11344delG).
Protein change: p.Asp3782fs; shifts the reading frame from aspartic acid 3782.
Molecular consequence: frameshift variant.
Genome position (GRCh38, 1-based): chr16:2,092,114, C deleted on the plus strand (G on the coding strand, the reverse complement: PKD1 is on the minus strand). VCF-style (leftmost placement, unchanged base first): chr16-2092113-TC-T. GRCh37 (hg19) VCF-style: chr16-2142114-TC-T.
Other names: c.11344del (NM_001009944.2); c.11341del, p.Asp3781fs (NM_000296.4); short protein forms D3781fs, D3782fs.
Identifiers: ClinVar variation 994668 (VCV000994668.3), dbSNP rs2091618928, ClinGen allele CA1139664275.